The following is an entry in ClinVar:

NM_001256071.3(RNF213):c.14850G>C (p.Glu4950Asp)

Genes: RNF213 (ring finger protein 213; plus strand), RNF213-AS1 (RNF213 antisense RNA 1; minus strand). Cytogenetic location: 17q25.3.
Variant type: single nucleotide variant.
Coding change: c.14850G>C on transcript NM_001256071.3 (MANE Select); coding-DNA position 14850, G replaced by C.
Protein change: p.Glu4950Asp; replaces glutamic acid 4950 with aspartic acid.
Molecular consequence: missense variant.
Genome position (GRCh38, 1-based): chr17:80,386,819, G>C. VCF-style: chr17-80386819-G-C. GRCh37 (hg19) VCF-style: chr17-78360619-G-C.
Other names: c.14850G>C (NM_001256071.1); short protein forms E4950D.
Identifiers: ClinVar variation 1130120 (VCV001130120.11), dbSNP rs371441113, ClinGen allele CA8823095.
Genomic context (GRCh38, chr17:80,386,819, plus strand): 5'-TCCACTGATTCTCTCCAACTGCCAGTACCAGGTGGAGGAGGGCAGAGAGACCGTGCAGGA[G>C]TTCGATCTGGAGAAGATTCAGCGGCAGATCGTCAGCCGCTTCCTCCAGGGCAAGCCCCGG-3'
Protein context (NP_001243000.2, residues 4940-4960): QVEEGRETVQ[Glu4950Asp]FDLEKIQRQI

ClinVar aggregate classification (germline): Conflicting classifications of pathogenicity. Review status: criteria provided, conflicting classifications (1 of 4 stars). 3 submissions from 3 submitters: Uncertain significance (2); Likely benign (1). Last evaluated 2025-09-12.

Allele frequency attached by ClinVar (database versions not stated): gnomAD 0.00006 and 0.00009; TOPMed 0.00008; 1000 Genomes Project 30x 0.00062; 1000 Genomes Project 0.00080.
gnomAD v4.1: 123 of 1,614,222 alleles (0.0076%); highest among the groups gnomAD compares: East Asian, 0.17%; 1 homozygote.

Submissions (3):

Labcorp Genetics (formerly Invitae), Labcorp
Classification: Likely benign. Last evaluated: 2025-09-12. Review status: criteria provided, single submitter. Criteria: Invitae Variant Classification Sherloc (09022015). Collection method: clinical testing. Allele origin: germline.

GeneDx
Classification: Uncertain significance. Last evaluated: 2024-11-20. Review status: criteria provided, single submitter. Criteria: GeneDx Variant Classification Process June 2021. Collection method: clinical testing. Allele origin: germline. Affected: yes.
Comment: Identified in individuals meeting diagnostic criteria or suspected of Moyamoya disease (PMID: 21799892, 23110205, 27128593, 37269436); In silico analysis indicates that this missense variant does not alter protein structure/function; This variant is associated with the following publications: (PMID: 30671466, 25956231, 23110205, 27128593, 29165161, 26662949, 38592555, 37269436, 34880113, 21799892)

Blueprint Genetics
Classification: Uncertain significance. Last evaluated: 2024-07-18. Review status: criteria provided, single submitter. Criteria: ACMG Guidelines, 2015. Collection method: clinical testing. Allele origin: germline.